The following is an entry in ClinVar:

NM_001378454.1(ALMS1):c.3064G>T (p.Ala1022Ser)

Gene: ALMS1 (ALMS1 centrosome and basal body associated protein; plus strand). Cytogenetic location: 2p13.1.
Variant type: single nucleotide variant.
Coding change: c.3064G>T on transcript NM_001378454.1 (MANE Select); coding-DNA position 3064, G replaced by T.
Protein change: p.Ala1022Ser; replaces alanine 1022 with serine.
Molecular consequence: missense variant.
Genome position (GRCh38, 1-based): chr2:73,449,591, G>T. VCF-style: chr2-73449591-G-T. GRCh37 (hg19) VCF-style: chr2-73676718-G-T.
Other names: c.3067G>T, p.Ala1023Ser (NM_015120.4); short protein forms A1022S, A1023S.
Identifiers: ClinVar variation 1484092 (VCV001484092.4), dbSNP rs1267229357, ClinGen allele CA347273661.

ClinVar aggregate classification (germline): Uncertain significance. Review status: criteria provided, multiple submitters, no conflicts (2 of 4 stars). 2 submissions from 2 submitters: Uncertain significance (2). Last evaluated 2022-08-02.

Conditions:
Alstrom syndrome (ALMS). Identifiers: Orphanet 64, MedGen C0268425, MONDO:0008763, OMIM 203800.

Allele frequency attached by ClinVar (database versions not stated): gnomAD exomes below 0.00001 and 0.00001.
gnomAD v4.1: 2 of 1,613,904 alleles (0.00012%); highest among the groups gnomAD compares: Admixed American, 0.0033%; no homozygotes.

Submissions (2):

Labcorp Genetics (formerly Invitae), Labcorp
Classification: Uncertain significance for Alstrom syndrome. Last evaluated: 2022-08-02. Review status: criteria provided, single submitter. Criteria: Invitae Variant Classification Sherloc (09022015). Collection method: clinical testing. Allele origin: germline.
Comment: This sequence change replaces alanine, which is neutral and non-polar, with serine, which is neutral and polar, at codon 1023 of the ALMS1 protein (p.Ala1023Ser). This variant is present in population databases (no rsID available, gnomAD 0.006%). This variant has not been reported in the literature in individuals affected with ALMS1-related conditions. ClinVar contains an entry for this variant (Variation ID: 1484092). Experimental studies and prediction algorithms are not available or were not evaluated, and the functional significance of this variant is currently unknown. In summary, the available evidence is currently insufficient to determine the role of this variant in disease. Therefore, it has been classified as a Variant of Uncertain Significance.

Fulgent Genetics
Classification: Uncertain significance for Alstrom syndrome. Last evaluated: 2021-10-05. Review status: criteria provided, single submitter. Criteria: ACMG Guidelines, 2015. Collection method: clinical testing. Allele origin: unknown.